The following is an entry in ClinVar:

ClinVar aggregate classification (germline): Uncertain significance (1 of 4 stars; one submission).

Submission:

GeneDx
Classification: Uncertain significance. Last evaluated: 2024-11-05. Review status: criteria provided, single submitter. Criteria: GeneDx Variant Classification Process June 2021. Collection method: clinical testing. Allele origin: germline.
Comment: Not observed at significant frequency in large population cohorts (gnomAD); In-frame deletion of 1 amino acid in a non-repeat region; In silico analysis supports a deleterious effect on protein structure/function; Has not been previously published as pathogenic or benign to our knowledge; Variants in candidate genes are classified as variants of uncertain significance in accordance with ACMG guidelines (PMID: 25741868)

NM_014921.5(ADGRL1):c.1794CAA[1] (p.Asn599del)

Genes: ADGRL1 (adhesion G protein-coupled receptor L1; minus strand), ADGRL1-AS1 (ADGRL1 antisense RNA 1; plus strand). Cytogenetic location: 19p13.12.
Variant type: Microsatellite.
Coding change: c.1794CAA[1] on transcript NM_014921.5 (MANE Select); one copy of the 3-base unit CAA starting at c.1794; the reference has two copies in a row; one copy, 3 bases deleted.
Protein change: p.Asn599del; deletes asparagine 599.
Molecular consequence: inframe deletion.
Genome position (GRCh38, 1-based): chr19:14,160,113-14,160,115, TTG deleted on the plus strand (CAA on the coding strand, the reverse complement: ADGRL1 is on the minus strand); deleting any 3 consecutive bases within chr19:14,160,113-14,160,119 gives the same sequence; the position shown is the placement nearest the transcript's 3' end. VCF-style (leftmost placement, unchanged base first): chr19-14160112-CTTG-C. GRCh37 (hg19) VCF-style: chr19-14270924-CTTG-C.
Other names: c.1809CAA[1], p.Asn604del (NM_001008701.3); short protein forms N599del, N604del.
Identifiers: ClinVar variation 4975074 (VCV004975074.1).